The following is an entry in ClinVar:

ClinVar aggregate classification (germline): Uncertain significance. Review status: reviewed by expert panel (3 of 4 stars). 4 submissions from 4 submitters: Uncertain significance (1). 3 of the submissions do not count toward it. Last evaluated 2025-01-07.

Conditions:
Autosomal recessive limb-girdle muscular dystrophy. Identifiers: Orphanet 102015, MedGen C2931907, MONDO:0015152.
Gnathodiaphyseal dysplasia (GDD). Also called: GNATHODIAPHYSEAL SCLEROSIS; OSTEOGENESIS IMPERFECTA WITH UNUSUAL SKELETAL LESIONS. Identifiers: Orphanet 53697, MedGen C1833736, MONDO:0008151, OMIM 166260.
Autosomal recessive limb-girdle muscular dystrophy type 2L (LGMDR12). Also called: Limb-girdle muscular dystrophy, type 2L; Limb-Girdle Muscular Dystrophy R12 Anoctamin-5-Related (LGMD-R12); MUSCULAR DYSTROPHY, LIMB-GIRDLE, AUTOSOMAL RECESSIVE 12. Identifiers: Orphanet 206549, MedGen C1969785, MONDO:0012652, OMIM 611307.
Miyoshi muscular dystrophy 3 (MMD3). Also called: Miyoshi myopathy 3; Miyoshi Muscular Dystrophy 3 (MMD3). Identifiers: Orphanet 399096, MedGen C2750076, MONDO:0013222, OMIM 613319.

Submissions (4):

ClinGen Limb Girdle Muscular Dystrophy Variant Curation Expert Panel, ClinGen
Classification: Uncertain significance for Autosomal recessive limb-girdle muscular dystrophy. Last evaluated: 2025-01-07. Review status: reviewed by expert panel. Criteria: ClinGen LGMD VCEP ACMG Specifications ANO5 V1.0.0. Collection method: curation. Allele origin: germline. Inheritance: Autosomal recessive inheritance.
Comment: The NM_213599.3: c.648+5G>C variant in ANO5 is an intronic variant located in the donor splice region in intron 7. This variant has been detected in at least two individuals with LGMD, including confirmed in trans with a pathogenic or likely pathogenic variant (c.2503_2505del p.(Phe835del), 1.0 pt, ClinVar SCV002196824.2 internal data communication) (PM3). At least one patient with this variant displayed progressive limb girdle muscle weakness (PP4). This variant is absent from gnomAD v2.1.1 and v3.1.2 (PM2_Supporting). The computational predictor SpliceAI gives a score of 0.87 for donor loss, which is greater than the VCEP threshold of 0.5, evidence that correlates with impact to ANO5 function (PP3). In summary, this variant cannot be classified as pathogenic nor benign at this time and remains a variant of uncertain significance for autosomal recessive limb girdle muscular dystrophy based on the ACMG/AMP criteria applied, as specified by the ClinGen LGMD VCEP (LGMD VCEP specifications version 1.0.0; 01/07/2025): PM3, PP4, PM2_Supporting, PP3.

Labcorp Genetics (formerly Invitae), Labcorp
Classification: Likely pathogenic for Autosomal recessive limb-girdle muscular dystrophy type 2L; Gnathodiaphyseal dysplasia. Last evaluated: 2024-05-20. Review status: criteria provided, single submitter. Criteria: Invitae Variant Classification Sherloc (09022015). Collection method: clinical testing. Allele origin: germline. Not counted in ClinVar's aggregate classification.
Comment: This sequence change falls in intron 7 of the ANO5 gene. It does not directly change the encoded amino acid sequence of the ANO5 protein. It affects a nucleotide within the consensus splice site. This variant is not present in population databases (gnomAD no frequency). This variant has been observed in individual(s) with autosomal recessive limb girdle muscular dystrophy (Invitae). In at least one individual the data is consistent with being in trans (on the opposite chromosome) from a pathogenic variant. ClinVar contains an entry for this variant (Variation ID: 282006). Variants that disrupt the consensus splice site are a relatively common cause of aberrant splicing (PMID: 17576681, 9536098). Algorithms developed to predict the effect of sequence changes on RNA splicing suggest that this variant may disrupt the consensus splice site. In summary, the currently available evidence indicates that the variant is pathogenic, but additional data are needed to prove that conclusively. Therefore, this variant has been classified as Likely Pathogenic.

Fulgent Genetics
Classification: Likely pathogenic for Gnathodiaphyseal dysplasia; Autosomal recessive limb-girdle muscular dystrophy type 2L; Miyoshi muscular dystrophy 3. Last evaluated: 2024-02-22. Review status: criteria provided, single submitter. Criteria: ACMG Guidelines, 2015. Collection method: clinical testing. Allele origin: germline. Not counted in ClinVar's aggregate classification.

Eurofins Ntd Llc (ga)
Classification: Uncertain significance. Last evaluated: 2015-07-15. Review status: criteria provided, single submitter. Criteria: EGL Classification Definitions 2015. Collection method: clinical testing. Allele origin: germline. Observed: 1 variant allele, 1 heterozygote. Not counted in ClinVar's aggregate classification.

Literature cited by the submitters: PubMed 17576681 (cited by Labcorp Genetics (formerly Invitae), Labcorp); PubMed 9536098 (cited by Labcorp Genetics (formerly Invitae), Labcorp).

NM_213599.3(ANO5):c.648+5G>C

Gene: ANO5 (anoctamin 5; plus strand). Cytogenetic location: 11p14.3.
Variant type: single nucleotide variant.
Coding change: c.648+5G>C on transcript NM_213599.3 (MANE Select); 5 bases into the intron after coding-DNA position 648, G replaced by C.
Molecular consequence: intron variant.
Genome position (GRCh38, 1-based): chr11:22,227,591, G>C. VCF-style: chr11-22227591-G-C. GRCh37 (hg19) VCF-style: chr11-22249137-G-C.
Other names: c.645+5G>C (NM_001142649.2).
Identifiers: ClinVar variation 282006 (VCV000282006.14), dbSNP rs752512585, ClinGen allele CA10604030.
Genomic context (GRCh38, chr11:22,227,591, plus strand): 5'-TCTTCCTCATCGAAGATCAGGCAACCTTCTTTCCATCCTCATCAAGAAACAGAATTGTAG[G>C]TAGAGAAGACCTTTGGGCACATCCCTTCAAATACGAGATGTATGCTTGTGTGTGCTTTTA-3'